The following is an entry in ClinVar:

NM_006206.6(PDGFRA):c.624A>G (p.Leu208=)

Gene: PDGFRA (platelet derived growth factor receptor alpha; plus strand). Cytogenetic location: 4q12.
Variant type: single nucleotide variant.
Coding change: c.624A>G on transcript NM_006206.6 (MANE Select); coding-DNA position 624, A replaced by G.
Protein change: p.Leu208=; no amino-acid change (leucine 208 retained).
Molecular consequence: synonymous variant.
Genome position (GRCh38, 1-based): chr4:54,263,923, A>G. VCF-style: chr4-54263923-A-G. GRCh37 (hg19) VCF-style: chr4-55130090-A-G.
Other names: c.624A>G, p.Leu208= (NM_001347827.2, NM_001347829.2); c.699A>G, p.Leu233= (NM_001347828.2); c.663A>G, p.Leu221= (NM_001347830.2).
Identifiers: ClinVar variation 459112 (VCV000459112.15), dbSNP rs889394408, ClinGen allele CA96849255.
Genomic context (GRCh38, chr4:54,263,923, plus strand): 5'-CTGTGAGGCCACCGTCAAAGGAAAGAAGTTCCAGACCATCCCATTTAATGTTTATGCTTT[A>G]AAAGGTACTTGTATCATCTCCTTCCTTCTTTAAATAAGAGTAACAGGCAAAATCATAAGG-3'
Protein context (NP_006197.1, residues 198-218): FQTIPFNVYA[Leu208=]KATSELDLEM

ClinVar aggregate classification (germline): Benign/Likely benign. Review status: criteria provided, multiple submitters, no conflicts (2 of 4 stars). 3 submissions from 3 submitters: Benign (1); Likely benign (2). Last evaluated 2026-06-16.

Conditions:
Hereditary cancer-predisposing syndrome. Also called: Tumor predisposition; Hereditary neoplastic syndrome; Neoplastic Syndromes, Hereditary; Hereditary Cancer Syndrome. Identifiers: Orphanet 140162, MedGen C0027672, MeSH D009386, MONDO:0015356.
Gastrointestinal stromal tumor. Also called: Gastrointestinal stroma tumor; Gastrointestinal stromal tumor, somatic. Identifiers: Orphanet 44890, MedGen C0238198, MeSH D046152, MONDO:0011719, OMIM 606764, HP:0100723.
Polyps, multiple and recurrent inflammatory fibroid, gastrointestinal. Identifiers: MedGen C5193005, MONDO:0008285, OMIM 175510.

Submissions (3):

Myriad Genetics, Inc.
Classification: Benign for Polyps, multiple and recurrent inflammatory fibroid, gastrointestinal. Last evaluated: 2026-06-16. Review status: criteria provided, single submitter. Criteria: Myriad Autosomal Dominant, Autosomal Recessive and X-Linked Classification Criteria (2023). Collection method: clinical testing. Allele origin: unknown.
Comment: This variant is considered benign. This variant is a silent/synonymous amino acid change and it is not expected to impact splicing.

Labcorp Genetics (formerly Invitae), Labcorp
Classification: Likely benign for Gastrointestinal stromal tumor. Last evaluated: 2025-09-22. Review status: criteria provided, single submitter. Criteria: Invitae Variant Classification Sherloc (09022015). Collection method: clinical testing. Allele origin: germline.

Ambry Genetics
Classification: Likely benign for Hereditary cancer-predisposing syndrome. Last evaluated: 2023-05-25. Review status: criteria provided, single submitter. Criteria: Ambry Variant Classification Scheme 2023. Collection method: clinical testing. Allele origin: germline.